The following is an entry in ClinVar:

ClinVar aggregate classification (germline): Uncertain significance. Review status: criteria provided, multiple submitters, no conflicts (2 of 4 stars). 3 submissions from 3 submitters: Uncertain significance (3). Last evaluated 2026-01-31.

Conditions:
Cataract 16 multiple types. Also called: CATARACT, CONGENITAL LAMELLAR; CATARACT 16, POSTERIOR POLAR; CATARACT 16, CONGENITAL LAMELLAR. Identifiers: Orphanet 91492, Orphanet 98992, Orphanet 98993, Orphanet 98995, MedGen C3808377, MONDO:0013411, OMIM 613763.
Myofibrillar myopathy 2. Also called: MYOPATHY, MYOFIBRILLAR, WITH OR WITHOUT CATARACT AND/OR CARDIOMYOPATHY; MYOPATHY, MYOFIBRILLAR, 2A, ADULT-ONSET; MYOPATHY, DESMIN-RELATED, ASSOCIATED WITH MUTATION IN THE CRYAB GENE; MYOPATHY, MYOFIBRILLAR, ALPHA-B CRYSTALLIN-RELATED. Identifiers: Orphanet 280553, Orphanet 399058, MedGen C1837317, MONDO:0012130.
Dilated cardiomyopathy 1II (CMD1II). Identifiers: Orphanet 154, MedGen C3554649, MONDO:0014073, OMIM 615184.
Fatal infantile hypertonic myofibrillar myopathy (MFM2B). Also called: MYOPATHY, MYOFIBRILLAR, 2B, INFANTILE-ONSET; MFM, FATAL INFANTILE HYPERTONIC, ALPHA-B CRYSTALLIN-RELATED. Identifiers: Orphanet 280553, MedGen C5190691, MONDO:0013472, OMIM 613869.
Cardiovascular phenotype. Identifiers: MedGen CN230736.

Allele frequency attached by ClinVar (database versions not stated): TOPMed 0.00001.

Submissions (3):

Labcorp Genetics (formerly Invitae), Labcorp
Classification: Uncertain significance for Dilated cardiomyopathy 1II. Last evaluated: 2026-01-31. Review status: criteria provided, single submitter. Criteria: Invitae Variant Classification Sherloc (09022015). Collection method: clinical testing. Allele origin: germline.
Comment: This sequence change replaces proline, which is neutral and non-polar, with serine, which is neutral and polar, at codon 39 of the CRYAB protein (p.Pro39Ser). This variant is present in population databases (no rsID available, gnomAD 0.002%). This variant has not been reported in the literature in individuals affected with CRYAB-related conditions. ClinVar contains an entry for this variant (Variation ID: 657190). An algorithm developed to predict the effect of missense changes on protein structure and function outputs the following: PolyPhen-2: "Benign". The serine amino acid residue is found in multiple mammalian species, which suggests that this missense change does not adversely affect protein function. In summary, the available evidence is currently insufficient to determine the role of this variant in disease. Therefore, it has been classified as a Variant of Uncertain Significance.

Ambry Genetics
Classification: Uncertain significance for Cardiovascular phenotype. Last evaluated: 2024-05-19. Review status: criteria provided, single submitter. Criteria: Ambry Variant Classification Scheme 2023. Collection method: clinical testing. Allele origin: germline.
Comment: The p.P39S variant (also known as c.115C>T), located in coding exon 1 of the CRYAB gene, results from a C to T substitution at nucleotide position 115. The proline at codon 39 is replaced by serine, an amino acid with similar properties. This amino acid position is well conserved in available vertebrate species; however, serine is the reference amino acid in other vertebrate species. In addition, this alteration is predicted to be tolerated by in silico analysis. Since supporting evidence is limited at this time, the clinical significance of this alteration remains unclear.

Fulgent Genetics
Classification: Uncertain significance for Cataract 16 multiple types; Fatal infantile hypertonic myofibrillar myopathy; Dilated cardiomyopathy 1II. Last evaluated: 2021-07-22. Review status: criteria provided, single submitter. Criteria: ACMG Guidelines, 2015. Collection method: clinical testing. Allele origin: unknown.

NM_001289808.2(CRYAB):c.115C>T (p.Pro39Ser)

Gene: CRYAB (crystallin alpha B; minus strand). Cytogenetic location: 11q23.1.
Variant type: single nucleotide variant.
Coding change: c.115C>T on transcript NM_001289808.2 (MANE Select); coding-DNA position 115, C replaced by T.
Protein change: p.Pro39Ser; replaces proline 39 with serine.
Molecular consequence: missense variant.
Genome position (GRCh38, 1-based): chr11:111,911,610, G>A on the plus strand (C>T on the coding strand, the complement: CRYAB is on the minus strand). VCF-style: chr11-111911610-G-A. GRCh37 (hg19) VCF-style: chr11-111782334-G-A.
Other names: c.115C>T, p.Pro39Ser (NM_001289807.1, NM_001368245.1, NM_001885.3); short protein forms P39S.
Identifiers: ClinVar variation 657190 (VCV000657190.9), dbSNP rs145768025, ClinGen allele CA382600591.
Genomic context (GRCh38, chr11:111,911,610, plus strand): 5'-TGGGTGCCCGCAGGAAGGAGGGTGGCCGAAGGTAGAAGGGACTCAGGGAAGTAGACGTCG[G>A]GAAAAGATCAGACTCCAACAGGTGCTCTCCGAAGAACTGGTCAAAGAGGCGGCTGGGGGA-3'
Protein context (NP_001276737.1, residues 29-49): GEHLLESDLF[Pro39Ser]TSTSLSPFYL